The following is an entry in ClinVar:

ClinVar aggregate classification (germline): Uncertain significance. Review status: criteria provided, multiple submitters, no conflicts (2 of 4 stars). 2 submissions from 2 submitters: Uncertain significance (2). Last evaluated 2024-09-20.

Conditions:
Cardiovascular phenotype. Identifiers: MedGen CN230736.

Allele frequency attached by ClinVar (database versions not stated): gnomAD exomes below 0.00001 and 0.00001; gnomAD 0.00001; TOPMed 0.00001.
gnomAD v4.1: 3 of 1,614,120 alleles (0.00019%); highest among the groups gnomAD compares: African/African-American, 0.004%; no homozygotes.

Submissions (2):

Ambry Genetics
Classification: Uncertain significance for Cardiovascular phenotype. Last evaluated: 2024-09-20. Review status: criteria provided, single submitter. Criteria: Ambry Variant Classification Scheme 2023. Collection method: clinical testing. Allele origin: germline.
Comment: The p.P700L variant (also known as c.2099C>T), located in coding exon 5 of the ALPK3 gene, results from a C to T substitution at nucleotide position 2099. The proline at codon 700 is replaced by leucine, an amino acid with similar properties. This amino acid position is conserved. In addition, this alteration is predicted to be tolerated by in silico analysis. Based on the available evidence, the clinical significance of this variant remains unclear.

Labcorp Genetics (formerly Invitae), Labcorp
Classification: Uncertain significance. Last evaluated: 2022-07-23. Review status: criteria provided, single submitter. Criteria: Invitae Variant Classification Sherloc (09022015). Collection method: clinical testing. Allele origin: germline.
Comment: This sequence change replaces proline, which is neutral and non-polar, with leucine, which is neutral and non-polar, at codon 700 of the ALPK3 protein (p.Pro700Leu). This variant is present in population databases (no rsID available, gnomAD 0.01%). This variant has not been reported in the literature in individuals affected with ALPK3-related conditions. ClinVar contains an entry for this variant (Variation ID: 1522083). Algorithms developed to predict the effect of missense changes on protein structure and function are either unavailable or do not agree on the potential impact of this missense change (SIFT: "Deleterious"; PolyPhen-2: "Benign"; Align-GVGD: "Class C0"). In summary, the available evidence is currently insufficient to determine the role of this variant in disease. Therefore, it has been classified as a Variant of Uncertain Significance.

NM_020778.5(ALPK3):c.1493C>T (p.Pro498Leu)

Genes: ALPK3 (alpha kinase 3; plus strand), LOC111718493 (skeletal muscle cis-regulatory module overlapping ALPK3; plus strand). Cytogenetic location: 15q25.3.
Variant type: single nucleotide variant.
Coding change: c.1493C>T on transcript NM_020778.5 (MANE Select); coding-DNA position 1493, C replaced by T.
Protein change: p.Pro498Leu; replaces proline 498 with leucine.
Molecular consequence: missense variant.
Genome position (GRCh38, 1-based): chr15:84,840,772, C>T. VCF-style: chr15-84840772-C-T. GRCh37 (hg19) VCF-style: chr15-85384003-C-T.
Other names: c.2099C>T (NM_020778.4); short protein forms P498L.
Identifiers: ClinVar variation 1522083 (VCV001522083.7), dbSNP rs1454209409, ClinGen allele CA393375745.